The following is an entry in ClinVar:

NM_020458.4(TTC7A):c.866G>A (p.Gly289Glu)

Gene: TTC7A (tetratricopeptide repeat domain 7A; plus strand). Cytogenetic location: 2p21.
Variant type: single nucleotide variant.
Coding change: c.866G>A on transcript NM_020458.4 (MANE Select); coding-DNA position 866, G replaced by A.
Protein change: p.Gly289Glu; replaces glycine 289 with glutamic acid.
Molecular consequence: missense variant. On other transcripts: intron variant (1).
Genome position (GRCh38, 1-based): chr2:46,994,379, G>A. VCF-style: chr2-46994379-G-A. GRCh37 (hg19) VCF-style: chr2-47221518-G-A.
Other names: c.866G>A, p.Gly289Glu (NM_001288951.2); c.764G>A, p.Gly255Glu (NM_001288953.2); c.-61-757G>A (NM_001288955.2); short protein forms G255E, G289E.
Identifiers: ClinVar variation 1997403 (VCV001997403.2), dbSNP rs1019611834, ClinGen allele CA46619083.

ClinVar aggregate classification (germline): Uncertain significance (1 of 4 stars; one submission).

Conditions:
Multiple gastrointestinal atresias. Also called: FAMILIAL INTESTINAL POLYATRESIA SYNDROME; Multiple intestinal atresia. Identifiers: Orphanet 2300, MedGen C0220744, MONDO:0009465.

Allele frequency attached by ClinVar (database versions not stated): gnomAD exomes below 0.00001.
gnomAD v4.1: 1 of 1,613,286 alleles (0.000062%); highest among the groups gnomAD compares: Non-Finnish European, 0.000085%; no homozygotes.

Submission:

Labcorp Genetics (formerly Invitae), Labcorp
Classification: Uncertain significance for Multiple gastrointestinal atresias. Last evaluated: 2023-12-04. Review status: criteria provided, single submitter. Criteria: Invitae Variant Classification Sherloc (09022015). Collection method: clinical testing. Allele origin: germline.
Comment: This sequence change replaces glycine, which is neutral and non-polar, with glutamic acid, which is acidic and polar, at codon 289 of the TTC7A protein (p.Gly289Glu). This variant is not present in population databases (gnomAD no frequency). This variant has not been reported in the literature in individuals affected with TTC7A-related conditions. ClinVar contains an entry for this variant (Variation ID: 1997403). Advanced modeling of protein sequence and biophysical properties (such as structural, functional, and spatial information, amino acid conservation, physicochemical variation, residue mobility, and thermodynamic stability) performed at Invitae indicates that this missense variant is not expected to disrupt TTC7A protein function with a negative predictive value of 80%. In summary, the available evidence is currently insufficient to determine the role of this variant in disease. Therefore, it has been classified as a Variant of Uncertain Significance.